The following is an entry in ClinVar:

NM_000051.4(ATM):c.7854A>C (p.Arg2618Ser)

Genes: ATM (ATM serine/threonine kinase; plus strand), C11orf65 (chromosome 11 open reading frame 65; minus strand). Cytogenetic location: 11q22.3.
Variant type: single nucleotide variant.
Coding change: c.7854A>C on transcript NM_000051.4 (MANE Select); coding-DNA position 7854, A replaced by C.
Protein change: p.Arg2618Ser; replaces arginine 2618 with serine.
Molecular consequence: missense variant. On other transcripts: intron variant (2).
Genome position (GRCh38, 1-based): chr11:108,332,827, A>C. VCF-style: chr11-108332827-A-C. GRCh37 (hg19) VCF-style: chr11-108203554-A-C.
Other names: c.7854A>C, p.Arg2618Ser (NM_001351834.2); c.641-23756T>G (NM_001330368.2); c.*38+2393T>G (NM_001351110.2); short protein forms R2618S.
Identifiers: ClinVar variation 574089 (VCV000574089.9), dbSNP rs1565536250, ClinGen allele CA382561375.
Genomic context (GRCh38, chr11:108,332,827, plus strand): 5'-AACAGAGGCTGCAAATAGAATAATATGTACTATCAGAAGTAGGAGACCTCAGATGGTCAG[A>C]AGTGTTGAGGCACTTTGTGATGCTTATATTATATTAGCAAACTTAGATGCCACTCAGTGG-3'
Protein context (NP_000042.3, residues 2608-2628): TIRSRRPQMV[Arg2618Ser]SVEALCDAYI

ClinVar aggregate classification (germline): Uncertain significance (1 of 4 stars; one submission).

Conditions:
Ataxia-telangiectasia syndrome (AT). Also called: Cerebello-oculocutaneous telangiectasia; Immunodeficiency with ataxia telangiectasia; Ataxia-telangiectasia, complementation group E; Ataxia-telangiectasia, complementation group D; AT, COMPLEMENTATION GROUP C; ATAXIA-TELANGIECTASIA, COMPLEMENTATION GROUP A. Identifiers: Orphanet 100, MedGen C0004135, MONDO:0008840, OMIM 208900.

Submission:

Labcorp Genetics (formerly Invitae), Labcorp
Classification: Uncertain significance for Ataxia-telangiectasia syndrome. Last evaluated: 2018-03-14. Review status: criteria provided, single submitter. Criteria: Invitae Variant Classification Sherloc (09022015). Collection method: clinical testing. Allele origin: germline.
Comment: Algorithms developed to predict the effect of missense changes on protein structure and function (SIFT, PolyPhen-2, Align-GVGD) all suggest that this variant is likely to be tolerated, but these predictions have not been confirmed by published functional studies and their clinical significance is uncertain. In summary, the available evidence is currently insufficient to determine the role of this variant in disease. Therefore, it has been classified as a Variant of Uncertain Significance. This variant has not been reported in the literature in individuals with ATM-related disease. This variant is not present in population databases (ExAC no frequency). This sequence change replaces arginine with serine at codon 2618 of the ATM protein (p.Arg2618Ser). The arginine residue is moderately conserved and there is a moderate physicochemical difference between arginine and serine.